The following is an entry in ClinVar:

ClinVar aggregate classification (germline): Uncertain significance (1 of 4 stars; one submission).

Conditions:
Microcephaly 20, primary, autosomal recessive. Identifiers: MedGen C4693572, MONDO:0054761, OMIM 617914.

Allele frequency attached by ClinVar (database versions not stated): gnomAD 0.00001.
gnomAD v4.1: 1 of 1,581,844 alleles (0.000063%); highest among the groups gnomAD compares: Admixed American, 0.0017%; no homozygotes.

Submission:

Broad Center for Mendelian Genomics, Broad Institute of MIT and Harvard
Classification: Uncertain significance for Microcephaly 20, primary, autosomal recessive. Last evaluated: 2020-05-27. Review status: criteria provided, single submitter. Criteria: ACMG Guidelines, 2015. Collection method: research. Allele origin: germline. Inheritance: Autosomal recessive inheritance.
Comment: Computational prediction tools and conservation analyses suggest that this variant may impact the protein, though this information is not predictive enough to determine pathogenicity. The presence of this variant in an affected homozygote increases the likelihood that the p.Gly459Arg variant is pathogenic (PMID: 29343805). The p.Gly459Arg variant is located in a region of KIF14 that may be essential to protein folding and stability, suggesting that this variant is in a functional domain and slightly supports pathogenicity (PMID: 29343805). In summary, while there is some suspicion for a pathogenic role, the clinical significance of this variant is uncertain. ACMG/AMP Criteria applied: PM2, PP3, PM3_Supporting, PM1_Supporting (Richards 2015).

Literature cited by the submitters: PubMed 29343805.

NM_014875.3(KIF14):c.1375G>A (p.Gly459Arg)

Gene: KIF14 (kinesin family member 14; minus strand). Cytogenetic location: 1q32.1.
Variant type: single nucleotide variant.
Coding change: c.1375G>A on transcript NM_014875.3 (MANE Select); coding-DNA position 1375, G replaced by A.
Protein change: p.Gly459Arg; replaces glycine 459 with arginine.
Molecular consequence: missense variant. On other transcripts: intron variant (1).
Genome position (GRCh38, 1-based): chr1:200,614,398, C>T on the plus strand (G>A on the coding strand, the complement: KIF14 is on the minus strand). VCF-style: chr1-200614398-C-T. GRCh37 (hg19) VCF-style: chr1-200583526-C-T.
Other names: c.-19+957G>A (NM_001305792.1); short protein forms G459R.
Identifiers: ClinVar variation 977144 (VCV000977144.1), dbSNP rs1660302910, ClinGen allele CA344105325.